The following is an entry in ClinVar:

ClinVar aggregate classification (germline): Uncertain significance. Review status: criteria provided, single submitter (1 of 4 stars). 2 submissions from 2 submitters: Uncertain significance (1). 1 of the submissions does not count toward it. Last evaluated 2021-07-19.

Conditions:
KMT2D-related disorder. Also called: KMT2D-Related Disorders.

Allele frequency attached by ClinVar (database versions not stated): gnomAD 0.00001.
gnomAD v4.1: 3 of 1,612,914 alleles (0.00019%); highest among the groups gnomAD compares: East Asian, 0.0022%; no homozygotes.

Submissions (2):

Blueprint Genetics
Classification: Uncertain significance. Last evaluated: 2021-07-19. Review status: criteria provided, single submitter. Criteria: ACMG Guidelines, 2015. Collection method: clinical testing. Allele origin: germline.

PreventionGenetics, part of Exact Sciences
Classification: Uncertain significance for KMT2D-related condition. Last evaluated: 2023-10-20. Review status: no assertion criteria provided. Collection method: clinical testing. Allele origin: germline. Not counted in ClinVar's aggregate classification.
Comment: The KMT2D c.12952A>G variant is predicted to result in the amino acid substitution p.Lys4318Glu. To our knowledge, this variant has not been reported in the literature or in a large population database, indicating this variant is rare. At this time, the clinical significance of this variant is uncertain due to the absence of conclusive functional and genetic evidence.

NM_003482.4(KMT2D):c.12952A>G (p.Lys4318Glu)

Gene: KMT2D (lysine methyltransferase 2D; minus strand). Cytogenetic location: 12q13.12.
Variant type: single nucleotide variant.
Coding change: c.12952A>G on transcript NM_003482.4 (MANE Select); coding-DNA position 12952, A replaced by G.
Protein change: p.Lys4318Glu; replaces lysine 4318 with glutamic acid.
Molecular consequence: missense variant.
Genome position (GRCh38, 1-based): chr12:49,031,753, T>C on the plus strand (A>G on the coding strand, the complement: KMT2D is on the minus strand). VCF-style: chr12-49031753-T-C. GRCh37 (hg19) VCF-style: chr12-49425536-T-C.
Other names: short protein forms K4318E.
Identifiers: ClinVar variation 3056718 (VCV003056718.3), dbSNP rs752226331, ClinGen allele CA384708354.